The following is an entry in ClinVar:

NM_000096.4(CP):c.816A>C (p.Gly272=)

Gene: CP (ceruloplasmin; minus strand). Cytogenetic location: 3q25.1.
Variant type: single nucleotide variant.
Coding change: c.816A>C on transcript NM_000096.4 (MANE Select); coding-DNA position 816, A replaced by C.
Protein change: p.Gly272=; no amino-acid change (glycine 272 retained).
Molecular consequence: synonymous variant. On other transcripts: non-coding transcript variant (1).
Genome position (GRCh38, 1-based): chr3:149,207,583, T>G on the plus strand (A>C on the coding strand, the complement: CP is on the minus strand). VCF-style: chr3-149207583-T-G. GRCh37 (hg19) VCF-style: chr3-148925370-T-G.
Identifiers: ClinVar variation 3239462 (VCV003239462.19), dbSNP rs1202370117.

ClinVar aggregate classification (germline): Likely benign (1 of 4 stars; one submission).

Allele frequency attached by ClinVar (database versions not stated): gnomAD 0.00001.
gnomAD v4.1: 1 of 1,613,678 alleles (0.000062%); highest among the groups gnomAD compares: Non-Finnish European, 0.000085%; no homozygotes.

Submission:

CeGaT Center for Human Genetics Tuebingen
Classification: Likely benign. Last evaluated: 2024-05-01. Review status: criteria provided, single submitter. Criteria: CeGaT Center For Human Genetics Tuebingen Variant Classification Criteria Version 2. Collection method: clinical testing. Allele origin: germline. Affected: yes. Observed: 1 variant allele.
Comment: CP: BP4, BP7